The following is an entry in ClinVar:

ClinVar aggregate classification (germline): Uncertain significance (1 of 4 stars; one submission).

Conditions:
Hermansky-Pudlak syndrome (HPS). Also called: ALBINISM WITH HEMORRHAGIC DIATHESIS AND PIGMENTED RETICULOENDOTHELIAL CELLS. Identifiers: Orphanet 79430, MedGen C0079504, MONDO:0019312.

Allele frequency attached by ClinVar (database versions not stated): gnomAD exomes below 0.00001.

Submission:

Broad Center for Mendelian Genomics, Broad Institute of MIT and Harvard
Classification: Uncertain significance for Hermansky-Pudlak syndrome. Last evaluated: 2021-11-29. Review status: criteria provided, single submitter. Criteria: ACMG Guidelines, 2015. Collection method: curation. Allele origin: germline. Inheritance: Autosomal recessive inheritance.
Comment: The p.Tyr646Cys variant in HPS1 has been reported in 1 individual, in the compound heterozygous state, with Hermansky-Pudlak syndrome (PMID: 31898847) and has been identified in 0.0009% (1/112268) of European (non-Finnish) chromosomes by the Genome Aggregation Database (gnomAD; dbSNP ID: rs1467653379). Although this variant has been seen in the general population in a heterozygous state, its frequency is low enough to be consistent with a recessive carrier frequency. In vitro functional studies provide some evidence that the p.Tyr646Cys variant may slightly impact protein function (PMID: 23103514). However, these types of assays may not accurately represent biological function. Computational prediction tools and conservation analyses do not provide strong support for or against an impact to the protein. In summary, the clinical significance of the p.Tyr646Cys variant is uncertain. ACMG/AMP Criteria applied: PM2_supporting, PM3_supporting, PS3_supporting (Richards 2015).

NM_000195.5(HPS1):c.1937A>G (p.Tyr646Cys)

Gene: HPS1 (HPS1 biogenesis of lysosomal organelles complex 3 subunit 1; minus strand). Cytogenetic location: 10q24.2.
Variant type: single nucleotide variant.
Coding change: c.1937A>G on transcript NM_000195.5 (MANE Select); coding-DNA position 1937, A replaced by G.
Protein change: p.Tyr646Cys; replaces tyrosine 646 with cysteine.
Molecular consequence: missense variant.
Genome position (GRCh38, 1-based): chr10:98,418,178, T>C on the plus strand (A>G on the coding strand, the complement: HPS1 is on the minus strand). VCF-style: chr10-98418178-T-C. GRCh37 (hg19) VCF-style: chr10-100177935-T-C.
Other names: NM_001322489.2:c.965A>G; c.965A>G, p.Tyr322Cys (NM_001311345.2, NM_001322487.2, NM_001322489.2); c.1937A>G, p.Tyr646Cys (NM_001322476.2, NM_001322477.2); c.1838A>G, p.Tyr613Cys (NM_001322478.2, NM_001322479.2); c.1676A>G, p.Tyr559Cys (NM_001322480.2, NM_001322481.2); c.1577A>G, p.Tyr526Cys (NM_001322482.2); c.1568A>G, p.Tyr523Cys (NM_001322483.2, NM_001322484.2); c.1469A>G, p.Tyr490Cys (NM_001322485.2); short protein forms Y322C, Y490C, Y523C, Y526C, Y559C, Y613C, Y646C.
Identifiers: ClinVar variation 1341382 (VCV001341382.1), dbSNP rs1467653379, ClinGen allele CA378042662.
Genomic context (GRCh38, chr10:98,418,178, plus strand): 5'-AGCACTTATCACCCAAATGGGGGCATCTGTCCCCAGTGGCTCCCAACGCAGCGTCACCTG[T>C]AGTAGTCTCCTCCCAGCATGCCGATAGGCACTGAGTCGTCGGAGAGGACGGGCACCTCGA-3'
Protein context (NP_000186.2, residues 636-656): VPIGMLGGDY[Tyr646Cys]RKLLRYYSKN